The following is an entry in ClinVar:

ClinVar aggregate classification (germline): Uncertain significance (1 of 4 stars; one submission).

Allele frequency attached by ClinVar (database versions not stated): gnomAD exomes 0.00001; ExAC 0.00002.

Submission:

Labcorp Genetics (formerly Invitae), Labcorp
Classification: Uncertain significance. Last evaluated: 2020-12-16. Review status: criteria provided, single submitter. Criteria: Invitae Variant Classification Sherloc (09022015). Collection method: clinical testing. Allele origin: germline.
Comment: This variant has not been reported in the literature in individuals with MAPKAPK3-related conditions. Algorithms developed to predict the effect of missense changes on protein structure and function (SIFT, PolyPhen-2, Align-GVGD) all suggest that this variant is likely to be tolerated, but these predictions have not been confirmed by published functional studies and their clinical significance is uncertain. In summary, the available evidence is currently insufficient to determine the role of this variant in disease. Therefore, it has been classified as a Variant of Uncertain Significance. This variant is present in population databases (rs775483656, ExAC 0.02%). This sequence change replaces glutamic acid with lysine at codon 132 of the MAPKAPK3 protein (p.Glu132Lys). The glutamic acid residue is highly conserved and there is a small physicochemical difference between glutamic acid and lysine.

NM_001243925.2(MAPKAPK3):c.394G>A (p.Glu132Lys)

Gene: MAPKAPK3 (MAPK activated protein kinase 3; plus strand). Cytogenetic location: 3p21.2.
Variant type: single nucleotide variant.
Coding change: c.394G>A on transcript NM_001243925.2 (MANE Select); coding-DNA position 394, G replaced by A.
Protein change: p.Glu132Lys; replaces glutamic acid 132 with lysine.
Molecular consequence: missense variant.
Genome position (GRCh38, 1-based): chr3:50,641,741, G>A. VCF-style: chr3-50641741-G-A. GRCh37 (hg19) VCF-style: chr3-50679172-G-A.
Other names: c.394G>A, p.Glu132Lys (NM_001243926.2, NM_004635.5); short protein forms E132K.
Identifiers: ClinVar variation 1464660 (VCV001464660.8), dbSNP rs775483656, ClinGen allele CA2420234.